The following is an entry in ClinVar:

ClinVar aggregate classification (germline): Uncertain significance (1 of 4 stars; one submission).

gnomAD v4.1: 21 of 1,613,750 alleles (0.0013%); highest among the groups gnomAD compares: African/African-American, 0.021%; no homozygotes.

Submission:

Labcorp Genetics (formerly Invitae), Labcorp
Classification: Uncertain significance. Last evaluated: 2025-03-31. Review status: criteria provided, single submitter. Criteria: Invitae Variant Classification Sherloc (09022015). Collection method: clinical testing. Allele origin: germline.
Comment: This sequence change replaces isoleucine, which is neutral and non-polar, with valine, which is neutral and non-polar, at codon 467 of the TRPC3 protein (p.Ile467Val). This variant is present in population databases (rs146171474, gnomAD 0.02%). This variant has not been reported in the literature in individuals affected with TRPC3-related conditions. Invitae Evidence Modeling of protein sequence and biophysical properties (such as structural, functional, and spatial information, amino acid conservation, physicochemical variation, residue mobility, and thermodynamic stability) indicates that this missense variant is not expected to disrupt TRPC3 protein function with a negative predictive value of 80%. In summary, the available evidence is currently insufficient to determine the role of this variant in disease. Therefore, it has been classified as a Variant of Uncertain Significance.

NM_001130698.2(TRPC3):c.1399A>G (p.Ile467Val)

Gene: TRPC3 (transient receptor potential cation channel subfamily C member 3; minus strand). Cytogenetic location: 4q27.
Variant type: single nucleotide variant.
Coding change: c.1399A>G on transcript NM_001130698.2 (MANE Select); coding-DNA position 1399, A replaced by G.
Protein change: p.Ile467Val; replaces isoleucine 467 with valine.
Molecular consequence: missense variant.
Genome position (GRCh38, 1-based): chr4:121,912,036, T>C on the plus strand (A>G on the coding strand, the complement: TRPC3 is on the minus strand). VCF-style: chr4-121912036-T-C. GRCh37 (hg19) VCF-style: chr4-122833191-T-C.
Other names: c.1399A>G, p.Ile467Val (NM_001366479.2); c.1180A>G, p.Ile394Val (NM_003305.2); short protein forms I394V, I467V.
Identifiers: ClinVar variation 3627020 (VCV003627020.2).